The following is an entry in ClinVar:

ClinVar aggregate classification (germline): Likely benign (1 of 4 stars; one submission).

gnomAD v4.1: 477 of 1,544,486 alleles (0.031%); highest among the groups gnomAD compares: East Asian, 1%; 4 homozygotes.

Submission:

CeGaT Center for Human Genetics Tuebingen
Classification: Likely benign. Last evaluated: 2026-06-01. Review status: criteria provided, single submitter. Criteria: CeGaT Center For Human Genetics Tuebingen Variant Classification Criteria Version 2. Collection method: clinical testing. Allele origin: germline. Affected: yes. Observed: 1 variant allele.
Comment: VPS37D: BP4, BS1

NM_001077621.2(VPS37D):c.139-5C>T

Gene: VPS37D (VPS37D subunit of ESCRT-I; plus strand). Cytogenetic location: 7q11.23.
Variant type: single nucleotide variant.
Coding change: c.139-5C>T on transcript NM_001077621.2 (MANE Select); 5 bases into the intron before coding-DNA position 139, C replaced by T.
Molecular consequence: intron variant.
Genome position (GRCh38, 1-based): chr7:73,669,414, C>T. VCF-style: chr7-73669414-C-T. GRCh37 (hg19) VCF-style: chr7-73083744-C-T.
Identifiers: ClinVar variation 4872937 (VCV004872937.2).